The following is an entry in ClinVar:

ClinVar aggregate classification (germline): Uncertain significance (1 of 4 stars; one submission).

Allele frequency attached by ClinVar (database versions not stated): gnomAD exomes 0.00001; TOPMed 0.00002.
gnomAD v4.1: 6 of 1,550,936 alleles (0.00039%); highest among the groups gnomAD compares: Admixed American, 0.0098%; no homozygotes.

Submission:

Labcorp Genetics (formerly Invitae), Labcorp
Classification: Uncertain significance. Last evaluated: 2023-11-15. Review status: criteria provided, single submitter. Criteria: Invitae Variant Classification Sherloc (09022015). Collection method: clinical testing. Allele origin: germline.
Comment: This sequence change replaces arginine, which is basic and polar, with lysine, which is basic and polar, at codon 1307 of the TET2 protein (p.Arg1307Lys). This variant is present in population databases (no rsID available, gnomAD 0.02%). This variant has not been reported in the literature in individuals affected with TET2-related conditions. An algorithm developed to predict the effect of missense changes on protein structure and function (PolyPhen-2) suggests that this variant is likely to be disruptive. In summary, the available evidence is currently insufficient to determine the role of this variant in disease. Therefore, it has been classified as a Variant of Uncertain Significance.

NM_001127208.3(TET2):c.3920G>A (p.Arg1307Lys)

Genes: TET2 (tet methylcytosine dioxygenase 2; plus strand), TET2-AS1 (TET2 antisense RNA 1; minus strand). Cytogenetic location: 4q24.
Variant type: single nucleotide variant.
Coding change: c.3920G>A on transcript NM_001127208.3 (MANE Select); coding-DNA position 3920, G replaced by A.
Protein change: p.Arg1307Lys; replaces arginine 1307 with lysine.
Molecular consequence: missense variant.
Genome position (GRCh38, 1-based): chr4:105,259,735, G>A. VCF-style: chr4-105259735-G-A. GRCh37 (hg19) VCF-style: chr4-106180892-G-A.
Other names: short protein forms R1307K.
Identifiers: ClinVar variation 3011065 (VCV003011065.3), dbSNP rs1193365297, ClinGen allele CA357807335.